The following is an entry in ClinVar:

ClinVar aggregate classification (germline): Uncertain significance (1 of 4 stars; one submission).

Conditions:
Congenital sideroblastic anemia-B-cell immunodeficiency-periodic fever-developmental delay syndrome. Also called: Sideroblastic anemia with B-cell immunodeficiency, periodic fevers, and developmental delay. Identifiers: Orphanet 369861, MedGen C4015172, MONDO:0014487, OMIM 616084.

Allele frequency attached by ClinVar (database versions not stated): TOPMed 0.00001.
gnomAD v4.1: 1 of 1,613,136 alleles (0.000062%); highest among the groups gnomAD compares: Non-Finnish European, 0.000085%; no homozygotes.

Submission:

Labcorp Genetics (formerly Invitae), Labcorp
Classification: Uncertain significance for Congenital sideroblastic anemia-B-cell immunodeficiency-periodic fever-developmental delay syndrome. Last evaluated: 2025-04-14. Review status: criteria provided, single submitter. Criteria: Invitae Variant Classification Sherloc (09022015). Collection method: clinical testing. Allele origin: germline.
Comment: This sequence change replaces aspartic acid, which is acidic and polar, with asparagine, which is neutral and polar, at codon 214 of the TRNT1 protein (p.Asp214Asn). This variant is not present in population databases (gnomAD no frequency). This variant has not been reported in the literature in individuals affected with TRNT1-related conditions. ClinVar contains an entry for this variant (Variation ID: 2014303). Invitae Evidence Modeling of protein sequence and biophysical properties (such as structural, functional, and spatial information, amino acid conservation, physicochemical variation, residue mobility, and thermodynamic stability) indicates that this missense variant is not expected to disrupt TRNT1 protein function with a negative predictive value of 80%. Algorithms developed to predict the effect of sequence changes on RNA splicing suggest that this variant may disrupt the consensus splice site. In summary, the available evidence is currently insufficient to determine the role of this variant in disease. Therefore, it has been classified as a Variant of Uncertain Significance.

NM_182916.3(TRNT1):c.640G>A (p.Asp214Asn)

Gene: TRNT1 (tRNA nucleotidyl transferase 1; plus strand). Cytogenetic location: 3p26.2.
Variant type: single nucleotide variant.
Coding change: c.640G>A on transcript NM_182916.3 (MANE Select); coding-DNA position 640, G replaced by A.
Protein change: p.Asp214Asn; replaces aspartic acid 214 with asparagine.
Molecular consequence: missense variant. On other transcripts: non-coding transcript variant (6).
Genome position (GRCh38, 1-based): chr3:3,146,461, G>A. VCF-style: chr3-3146461-G-A. GRCh37 (hg19) VCF-style: chr3-3188145-G-A.
Other names: c.640G>A, p.Asp214Asn (NM_001302946.2, NM_001367321.1, NM_001367322.1 and 1 more transcripts); short protein forms D214N.
Identifiers: ClinVar variation 2014303 (VCV002014303.4), dbSNP rs1282965525, ClinGen allele CA351446884.